The following is an entry in ClinVar:

NM_000059.4(BRCA2):c.3685_3686del (p.Val1229fs)

Gene: BRCA2 (BRCA2 DNA repair associated; plus strand). Cytogenetic location: 13q13.1.
Variant type: Deletion.
Coding change: c.3685_3686del on transcript NM_000059.4 (MANE Select); coding-DNA positions 3685 to 3686, 2 bases deleted (GT; older notation c.3685_3686delGT).
Protein change: p.Val1229fs; shifts the reading frame from valine 1229.
Molecular consequence: frameshift variant.
Genome position (GRCh38, 1-based): chr13:32,338,040-32,338,041, GT deleted; deleting any 2 consecutive bases within chr13:32,338,039-32,338,041 gives the same sequence; the c. name uses the placement nearest the transcript's 3' end. VCF-style (leftmost placement, unchanged base first): chr13-32338038-ATG-A. GRCh37 (hg19) VCF-style: chr13-32912175-ATG-A.
Other names: 3912delTG; short protein forms V1229fs.
Identifiers: ClinVar variation 266765 (VCV000266765.5), dbSNP rs886040489, ClinGen allele CA10589216.

ClinVar aggregate classification (germline): Pathogenic. Review status: reviewed by expert panel (3 of 4 stars). 2 submissions from 2 submitters: Pathogenic (1). 1 of the submissions does not count toward it. Last evaluated 2016-10-18.

Conditions:
Breast-ovarian cancer, familial, susceptibility to, 2 (BROVCA2). Also called: BRCA2 Hereditary Breast and Ovarian Cancer. Identifiers: Orphanet 145, MedGen C2675520, MONDO:0012933, OMIM 612555. Disease mechanism: loss of function.

Submissions (2):

Evidence-based Network for the Interpretation of Germline Mutant Alleles (ENIGMA)
Classification: Pathogenic for Breast-ovarian cancer, familial, susceptibility to, 2. Last evaluated: 2016-10-18. Review status: reviewed by expert panel. Criteria: ENIGMA BRCA1/2 Classification Criteria (2015). Collection method: curation. Allele origin: germline.
Comment: Variant allele predicted to encode a truncated non-functional protein.

Consortium of Investigators of Modifiers of BRCA1/2 (CIMBA), c/o University of Cambridge
Classification: Pathogenic for Breast-ovarian cancer, familial, susceptibility to, 2. Last evaluated: 2015-10-02. Review status: criteria provided, single submitter. Criteria: CIMBA Mutation Classification guidelines May 2016. Collection method: clinical testing. Allele origin: germline. Not counted in ClinVar's aggregate classification.